The following is an entry in ClinVar:

ClinVar aggregate classification (germline): Conflicting classifications of pathogenicity. Review status: criteria provided, conflicting classifications (1 of 4 stars). 3 submissions from 3 submitters: Uncertain significance (2); Likely benign (1). Last evaluated 2026-06-02.

Conditions:
Inborn genetic diseases. Identifiers: MedGen C0950123, MeSH D030342.
Congenital fibrosis of extraocular muscles type 1. Also called: BLEPHAROPTOSIS WITH ABSENT EYE MOVEMENTS; FEOM1 LOCUS; CFEOM3B; OPHTHALMOPLEGIA, CONGENITAL. Identifiers: MedGen C1851102, MONDO:0021083, OMIM 135700.

Allele frequency attached by ClinVar (database versions not stated): gnomAD 0.00003 and 0.00004; ExAC 0.00007; gnomAD exomes 0.00009; TOPMed 0.00009; 1000 Genomes Project 30x 0.00016; 1000 Genomes Project 0.00020; ESP Exome Variant Server 0.00023.
gnomAD v4.1: 126 of 1,609,414 alleles (0.0078%); highest among the groups gnomAD compares: Non-Finnish European, 0.0094%; no homozygotes.

Submissions (3):

Women's Health and Genetics/Laboratory Corporation of America, LabCorp
Classification: Uncertain significance. Last evaluated: 2026-06-02. Review status: criteria provided, single submitter. Criteria: LabCorp Variant Classification Summary - May 2015. Collection method: clinical testing. Allele origin: germline.
Comment: Variant summary: KIF21A c.568G>A (p.Val190Ile) results in a conservative amino acid change in the encoded protein sequence. Algorithms developed to predict the effect of missense changes on protein structure and function are either unavailable or do not agree on the potential impact of this missense change. The variant allele was found at a frequency of 8.8e-05 in 250840 control chromosomes. This frequency is not significantly higher than estimated for disease-causing variants in KIF21A, allowing no conclusion about variant significance. To our knowledge, no occurrence of c.568G>A in individuals affected with KIF21A-related conditions and no experimental evidence demonstrating its impact on protein function have been reported. ClinVar contains an entry for this variant (Variation ID: 881557). Based on the evidence outlined above, the variant was classified as uncertain significance.

Ambry Genetics
Classification: Uncertain significance for Inborn genetic diseases. Last evaluated: 2025-01-02. Review status: criteria provided, single submitter. Criteria: Ambry Variant Classification Scheme 2023. Collection method: clinical testing. Allele origin: germline.

Illumina Laboratory Services, Illumina
Classification: Likely benign for Congenital fibrosis of extraocular muscles type 1. Last evaluated: 2018-01-13. Review status: criteria provided, single submitter. Criteria: ICSL Variant Classification Criteria 13 December 2019. Collection method: clinical testing. Allele origin: germline.
Comment: This variant was observed in the ICSL laboratory as part of a predisposition screen in an ostensibly healthy population. It had not been previously curated by ICSL or reported in the Human Gene Mutation Database (HGMD: prior to June 1st, 2018), and was therefore a candidate for classification through an automated scoring system. Utilizing variant allele frequency, disease prevalence and penetrance estimates, and inheritance mode, an automated score was calculated to assess if this variant is too frequent to cause the disease. Based on the score and internal cut-off values, a variant classified as likely benign is not then subjected to further curation. The score for this variant resulted in a classification of likely benign for this disease.

NM_001173464.2(KIF21A):c.568G>A (p.Val190Ile)

Gene: KIF21A (kinesin family member 21A; minus strand). Cytogenetic location: 12q12.
Variant type: single nucleotide variant.
Coding change: c.568G>A on transcript NM_001173464.2 (MANE Select); coding-DNA position 568, G replaced by A.
Protein change: p.Val190Ile; replaces valine 190 with isoleucine.
Molecular consequence: missense variant.
Genome position (GRCh38, 1-based): chr12:39,367,915, C>T on the plus strand (G>A on the coding strand, the complement: KIF21A is on the minus strand). VCF-style: chr12-39367915-C-T. GRCh37 (hg19) VCF-style: chr12-39761717-C-T.
Other names: c.568G>A, p.Val190Ile (NM_001173463.2, NM_001173465.2, NM_001378439.1 and 3 more transcripts); short protein forms V190I.
Identifiers: ClinVar variation 881557 (VCV000881557.6), dbSNP rs141530856, ClinGen allele CA6511237.
Genomic context (GRCh38, chr12:39,367,915, plus strand): 5'-TCTGTTTTAACTATAATATAAATATTACCTCTGATTCTGTATTCACAGTACGTGTTGTAA[C>T]GCCCACAGTATAAATTCCTCCAGTTGAATCTTCATGAATTCTTATATTTGATTTTTTACT-3'
Protein context (NP_001166935.1, residues 180-200): DSTGGIYTVG[Val190Ile]TTRTVNTESE